The following is an entry in ClinVar:

ClinVar aggregate classification (germline): Uncertain significance (1 of 4 stars; one submission).

Conditions:
Autosomal dominant polycystic kidney disease. Identifiers: Orphanet 730, MedGen C0085413, MONDO:0004691.

Submission:

Labcorp Genetics (formerly Invitae), Labcorp
Classification: Uncertain significance for Autosomal dominant polycystic kidney disease. Last evaluated: 2025-10-09. Review status: criteria provided, single submitter. Criteria: Invitae Variant Classification Sherloc (09022015). Collection method: clinical testing. Allele origin: germline.
Comment: This sequence change replaces histidine, which is basic and polar, with arginine, which is basic and polar, at codon 775 of the PKD2 protein (p.His775Arg). This variant is not present in population databases (gnomAD no frequency). This variant has not been reported in the literature in individuals affected with PKD2-related conditions. Invitae Evidence Modeling of protein sequence and biophysical properties (such as structural, functional, and spatial information, amino acid conservation, physicochemical variation, residue mobility, and thermodynamic stability) indicates that this missense variant is not expected to disrupt PKD2 protein function with a negative predictive value of 80%. In summary, the available evidence is currently insufficient to determine the role of this variant in disease. Therefore, it has been classified as a Variant of Uncertain Significance.

NM_000297.4(PKD2):c.2324A>G (p.His775Arg)

Gene: PKD2 (polycystin 2, transient receptor potential cation channel; plus strand). Cytogenetic location: 4q22.1.
Variant type: single nucleotide variant.
Coding change: c.2324A>G on transcript NM_000297.4 (MANE Select); coding-DNA position 2324, A replaced by G.
Protein change: p.His775Arg; replaces histidine 775 with arginine.
Molecular consequence: missense variant. On other transcripts: non-coding transcript variant (1).
Genome position (GRCh38, 1-based): chr4:88,065,845, A>G. VCF-style: chr4-88065845-A-G. GRCh37 (hg19) VCF-style: chr4-88986997-A-G.
Other names: c.2099A>G, p.His700Arg (NM_001440544.1); short protein forms H700R, H775R.
Identifiers: ClinVar variation 4808680 (VCV004808680.1).